The following is an entry in ClinVar:

ClinVar aggregate classification (germline): Uncertain significance (1 of 4 stars; one submission).

Conditions:
Wilson disease (WND). Also called: Wilson's disease. Identifiers: Orphanet 905, MedGen C0019202, MONDO:0010200, OMIM 277900. Disease mechanism: loss of function.

Submission:

3billion
Classification: Uncertain significance for Wilson disease. Review status: criteria provided, single submitter. Criteria: ACMG Guidelines, 2015. Collection method: clinical testing. Allele origin: unknown. Affected: yes. Observed: 1 homozygote.
Comment: The variant is not observed in the gnomAD v2.1.1 dataset. In silico tool predictions suggest damaging effect of the variant on gene or gene product (REVEL: 0.99; 3Cnet: 0.74). A different missense change at the same codon (p.Asp1271Asn) has been reported to be associated with ATP7B related disorder (PMID: 15967699). However the evidence of pathogenicity is insufficient at this time. Therefore, this variant is classified as Uncertain significance according to the recommendation of ACMG/AMP guideline.

Literature cited by the submitters: PubMed 15967699.

NM_000053.4(ATP7B):c.3812A>G (p.Asp1271Gly)

Gene: ATP7B (ATPase copper transporting beta; minus strand). Cytogenetic location: 13q14.3.
Variant type: single nucleotide variant.
Coding change: c.3812A>G on transcript NM_000053.4 (MANE Select); coding-DNA position 3812, A replaced by G.
Protein change: p.Asp1271Gly; replaces aspartic acid 1271 with glycine.
Molecular consequence: missense variant. On other transcripts: intron variant (1).
Genome position (GRCh38, 1-based): chr13:51,937,567, T>C on the plus strand (A>G on the coding strand, the complement: ATP7B is on the minus strand). VCF-style: chr13-51937567-T-C. GRCh37 (hg19) VCF-style: chr13-52511703-T-C.
Other names: c.3191A>G, p.Asp1064Gly (NM_001005918.3); c.3479A>G, p.Asp1160Gly (NM_001243182.2); c.3578A>G, p.Asp1193Gly (NM_001330578.2, NM_001406527.1, NM_001406528.1); c.3560A>G, p.Asp1187Gly (NM_001330579.2, NM_001406531.1, NM_001406532.1); c.3812A>G, p.Asp1271Gly (NM_001406511.1, NM_001406512.1); c.3806A>G, p.Asp1269Gly (NM_001406513.1); c.3779A>G, p.Asp1260Gly (NM_001406514.1); c.3758A>G, p.Asp1253Gly (NM_001406515.1, NM_001406516.1); and 21 more; short protein forms D1044G, D1055G, D1064G, D1077G, D1107G, D1109G, D1122G, D1128G.
Identifiers: ClinVar variation 2572477 (VCV002572477.1), dbSNP rs1957045165, ClinGen allele CA388021943.